The following is an entry in ClinVar:

NM_032590.5(KDM2B):c.3813C>T (p.Thr1271=)

Gene: KDM2B (lysine demethylase 2B; minus strand). Cytogenetic location: 12q24.31.
Variant type: single nucleotide variant.
Coding change: c.3813C>T on transcript NM_032590.5 (MANE Select); coding-DNA position 3813, C replaced by T.
Protein change: p.Thr1271=; no amino-acid change (threonine 1271 retained).
Molecular consequence: synonymous variant.
Genome position (GRCh38, 1-based): chr12:121,439,873, G>A on the plus strand (C>T on the coding strand, the complement: KDM2B is on the minus strand). VCF-style: chr12-121439873-G-A. GRCh37 (hg19) VCF-style: chr12-121877676-G-A.
Other names: c.3606C>T, p.Thr1202= (NM_001005366.2).
Identifiers: ClinVar variation 3033790 (VCV003033790.2), dbSNP rs200896410, ClinGen allele CA6836134.

ClinVar aggregate classification (germline): Likely benign (0 of 4 stars; one submission).

Conditions:
KDM2B-related disorder. Also called: KDM2B-related condition.

Allele frequency attached by ClinVar (database versions not stated): ESP Exome Variant Server 0.00016; TOPMed 0.00025; gnomAD 0.00026; gnomAD exomes 0.00047; ExAC 0.00049; 1000 Genomes Project 0.00060; 1000 Genomes Project 30x 0.00062.

Submission:

PreventionGenetics, part of Exact Sciences
Classification: Likely benign for KDM2B-related condition. Last evaluated: 2019-06-07. Review status: no assertion criteria provided. Collection method: clinical testing. Allele origin: germline.
Comment: This variant is classified as likely benign based on ACMG/AMP sequence variant interpretation guidelines (Richards et al. 2015 PMID: 25741868, with internal and published modifications).